The following is an entry in ClinVar:

ClinVar aggregate classification (germline): Likely benign (1 of 4 stars; one submission).

Submission:

CeGaT Center for Human Genetics Tuebingen
Classification: Likely benign. Last evaluated: 2025-02-01. Review status: criteria provided, single submitter. Criteria: CeGaT Center For Human Genetics Tuebingen Variant Classification Criteria Version 2. Collection method: clinical testing. Allele origin: germline. Affected: yes. Observed: 1 variant allele.
Comment: SHANK1: BS1

NM_016148.5(SHANK1):c.2996A>C (p.His999Pro)

Gene: SHANK1 (SH3 and multiple ankyrin repeat domains 1; minus strand). Cytogenetic location: 19q13.33.
Variant type: single nucleotide variant.
Coding change: c.2996A>C on transcript NM_016148.5 (MANE Select); coding-DNA position 2996, A replaced by C.
Protein change: p.His999Pro; replaces histidine 999 with proline.
Molecular consequence: missense variant.
Genome position (GRCh38, 1-based): chr19:50,668,964, T>G on the plus strand (A>C on the coding strand, the complement: SHANK1 is on the minus strand). VCF-style: chr19-50668964-T-G. GRCh37 (hg19) VCF-style: chr19-51172221-T-G.
Other names: short protein forms H999P.
Identifiers: ClinVar variation 3771251 (VCV003771251.13).